The following is an entry in ClinVar:

ClinVar aggregate classification (germline): Uncertain significance (1 of 4 stars; one submission).

Allele frequency attached by ClinVar (database versions not stated): ExAC 0.00002; gnomAD 0.00002; gnomAD exomes 0.00002; TOPMed 0.00002; ESP Exome Variant Server 0.00008.
gnomAD v4.1: 35 of 1,613,578 alleles (0.0022%); highest among the groups gnomAD compares: Non-Finnish European, 0.0028%; no homozygotes.

Submission:

Labcorp Genetics (formerly Invitae), Labcorp
Classification: Uncertain significance. Last evaluated: 2023-07-03. Review status: criteria provided, single submitter. Criteria: Invitae Variant Classification Sherloc (09022015). Collection method: clinical testing. Allele origin: germline.
Comment: This variant has not been reported in the literature in individuals affected with IMPG2-related conditions. ClinVar contains an entry for this variant (Variation ID: 1944364). An algorithm developed to predict the effect of missense changes on protein structure and function (PolyPhen-2) suggests that this variant is likely to be disruptive. In summary, the available evidence is currently insufficient to determine the role of this variant in disease. Therefore, it has been classified as a Variant of Uncertain Significance. This sequence change replaces leucine, which is neutral and non-polar, with valine, which is neutral and non-polar, at codon 84 of the IMPG2 protein (p.Leu84Val). This variant is present in population databases (rs375330175, gnomAD 0.002%).

NM_016247.4(IMPG2):c.250C>G (p.Leu84Val)

Gene: IMPG2 (interphotoreceptor matrix proteoglycan 2; minus strand). Cytogenetic location: 3q12.3.
Variant type: single nucleotide variant.
Coding change: c.250C>G on transcript NM_016247.4 (MANE Select); coding-DNA position 250, C replaced by G.
Protein change: p.Leu84Val; replaces leucine 84 with valine.
Molecular consequence: missense variant.
Genome position (GRCh38, 1-based): chr3:101,319,668, G>C on the plus strand (C>G on the coding strand, the complement: IMPG2 is on the minus strand). VCF-style: chr3-101319668-G-C. GRCh37 (hg19) VCF-style: chr3-101038512-G-C.
Other names: short protein forms L84V.
Identifiers: ClinVar variation 1944364 (VCV001944364.5), dbSNP rs375330175, ClinGen allele CA2519529.
Genomic context (GRCh38, chr3:101,319,668, plus strand): 5'-GATTTGCCACAGCCTCTGCAACACTTTCATCTGGGCAGATTTTCACTCCATTAGGAAACA[G>C]AATAGATCTCCGCCTTCTGATTAACCACTGTCTTTCAGTTTCTCTGCGGTCCAGAGGCTG-3'
Protein context (NP_057331.2, residues 74-94): QWLIRRRRSI[Leu84Val]FPNGVKICPD